The following is an entry in ClinVar:

ClinVar aggregate classification (germline): Uncertain significance. Review status: criteria provided, multiple submitters, no conflicts (2 of 4 stars). 2 submissions from 2 submitters: Uncertain significance (2). Last evaluated 2026-02-02.

Conditions:
Seizures, benign familial infantile, 3 (BFIS3). Also called: Familial neonatal seizures; CONVULSIONS, BENIGN FAMILIAL INFANTILE, 3. Identifiers: Orphanet 140927, Orphanet 306, MedGen C1843140, MONDO:0011904, OMIM 607745.
Developmental and epileptic encephalopathy, 11 (DEE11). Also called: Early infantile epileptic encephalopathy 11. Identifiers: Orphanet 1934, MedGen C3150987, MONDO:0013388, OMIM 613721.

Allele frequency attached by ClinVar (database versions not stated): ExAC 0.00001; gnomAD exomes 0.00001 and 0.00002; TOPMed 0.00001.
gnomAD v4.1: 4 of 1,613,784 alleles (0.00025%); highest among the groups gnomAD compares: Admixed American, 0.0067%; no homozygotes.

Submissions (2):

Labcorp Genetics (formerly Invitae), Labcorp
Classification: Uncertain significance for Seizures, benign familial infantile, 3; Developmental and epileptic encephalopathy, 11. Last evaluated: 2026-02-02. Review status: criteria provided, single submitter. Criteria: Invitae Variant Classification Sherloc (09022015). Collection method: clinical testing. Allele origin: germline.
Comment: This sequence change replaces aspartic acid, which is acidic and polar, with glycine, which is neutral and non-polar, at codon 740 of the SCN2A protein (p.Asp740Gly). This variant is present in population databases (rs747869260, gnomAD 0.01%). This variant has not been reported in the literature in individuals affected with SCN2A-related conditions. ClinVar contains an entry for this variant (Variation ID: 1006893). Invitae Evidence Modeling of protein sequence and biophysical properties (such as structural, functional, and spatial information, amino acid conservation, physicochemical variation, residue mobility, and thermodynamic stability) indicates that this missense variant is expected to disrupt SCN2A protein function with a positive predictive value of 95%. In summary, the available evidence is currently insufficient to determine the role of this variant in disease. Therefore, it has been classified as a Variant of Uncertain Significance.

GeneDx
Classification: Uncertain significance. Last evaluated: 2025-11-20. Review status: criteria provided, single submitter. Criteria: GeneDx Variant Classification Process June 2021. Collection method: clinical testing. Allele origin: germline. Affected: yes.
Comment: Has not been previously published as pathogenic or benign to our knowledge; In silico analysis supports that this missense variant has a deleterious effect on protein structure/function; This substitution is predicted to be in the cytoplasmic loop between the first and second homologous domains

NM_001040142.2(SCN2A):c.2219A>G (p.Asp740Gly)

Gene: SCN2A (sodium voltage-gated channel alpha subunit 2; plus strand). Cytogenetic location: 2q24.3.
Variant type: single nucleotide variant.
Coding change: c.2219A>G on transcript NM_001040142.2 (MANE Select); coding-DNA position 2219, A replaced by G.
Protein change: p.Asp740Gly; replaces aspartic acid 740 with glycine.
Molecular consequence: missense variant.
Genome position (GRCh38, 1-based): chr2:165,331,399, A>G. VCF-style: chr2-165331399-A-G. GRCh37 (hg19) VCF-style: chr2-166187909-A-G.
Other names: c.2219A>G, p.Asp740Gly (NM_001040143.2, NM_001371246.1, NM_001371247.1 and 1 more transcripts); short protein forms D740G.
Identifiers: ClinVar variation 1006893 (VCV001006893.12), dbSNP rs747869260, ClinGen allele CA1939948.